The following is an entry in ClinVar:

ClinVar aggregate classification (germline): Benign. Review status: criteria provided, multiple submitters, no conflicts (2 of 4 stars). 2 submissions from 2 submitters: Benign (2). Last evaluated 2018-06-14.

Allele frequency attached by ClinVar (database versions not stated): 1000 Genomes Project 30x 0.02280; 1000 Genomes Project 0.02316; gnomAD 0.04158 and 0.04057; gnomAD exomes 0.04627; TOPMed 0.03838.
gnomAD v4.1: 22,923 of 513,294 alleles (4.5%); highest among the groups gnomAD compares: Non-Finnish European, 5.9%; 706 homozygotes.

Submissions (4):

GeneDx
Classification: Benign. Last evaluated: 2018-06-14. Review status: criteria provided, single submitter. Criteria: GeneDx Variant Classification (06012015). Collection method: clinical testing. Allele origin: germline. Affected: yes.
Comment: This variant is considered likely benign or benign based on one or more of the following criteria: it is a conservative change, it occurs at a poorly conserved position in the protein, it is predicted to be benign by multiple in silico algorithms, and/or has population frequency not consistent with disease.

Breakthrough Genomics
Classification: Benign. Review status: criteria provided, single submitter. Criteria: ACMG Guidelines, 2015. Collection method: not provided. Allele origin: germline. Inheritance: Autosomal dominant inheritance. Affected: yes.

Dr. Peter K. Rogan Lab, Western University
No classification provided (evidence only). Condition: Lung cancer. Review status: no classification provided. Collection method: in vitro. Allele origin: not applicable. Functional consequence: retained intron. Not counted in ClinVar's aggregate classification.

Dr. Peter K. Rogan Lab, Western University
No classification provided (evidence only). Condition: Ovarian serous cystadenocarcinoma. Review status: no classification provided. Collection method: in vitro. Allele origin: not applicable. Functional consequence: retained intron. Not counted in ClinVar's aggregate classification.

NM_002880.4(RAF1):c.581+262A>C

Gene: RAF1 (Raf-1 proto-oncogene, serine/threonine kinase; minus strand). Cytogenetic location: 3p25.2.
Variant type: single nucleotide variant.
Coding change: c.581+262A>C on transcript NM_002880.4 (MANE Select); 262 bases into the intron after coding-DNA position 581, A replaced by C.
Molecular consequence: intron variant.
Genome position (GRCh38, 1-based): chr3:12,608,504, T>G on the plus strand (A>C on the coding strand, the complement: RAF1 is on the minus strand). VCF-style: chr3-12608504-T-G. GRCh37 (hg19) VCF-style: chr3-12650003-T-G.
Other names: NC_000003.11:g.12650003T>G; c.338+262A>C (NM_001354695.3, NM_001354692.3, NM_001354694.3 and 1 more transcripts); c.581+262A>C (NM_001354693.3, NM_001354689.3, NM_001354690.3).
Identifiers: ClinVar variation 561878 (VCV000561878.3), dbSNP rs113788042, ClinGen allele CA11351603.